The following is an entry in ClinVar:

NM_177438.3(DICER1):c.1385A>T (p.Lys462Met)

Gene: DICER1 (dicer 1, ribonuclease III; minus strand). Cytogenetic location: 14q32.13.
Variant type: single nucleotide variant.
Coding change: c.1385A>T on transcript NM_177438.3 (MANE Select); coding-DNA position 1385, A replaced by T.
Protein change: p.Lys462Met; replaces lysine 462 with methionine.
Molecular consequence: missense variant. On other transcripts: 5 prime UTR variant (1), non-coding transcript variant (6).
Genome position (GRCh38, 1-based): chr14:95,117,746, T>A on the plus strand (A>T on the coding strand, the complement: DICER1 is on the minus strand). VCF-style: chr14-95117746-T-A. GRCh37 (hg19) VCF-style: chr14-95584083-T-A.
Other names: c.1385A>T, p.Lys462Met (NM_001395679.1, NM_001395680.1, NM_001395682.1 and 12 more transcripts); c.1103A>T, p.Lys368Met (NM_001395686.1); c.980A>T, p.Lys327Met (NM_001395687.1, NM_001395688.1, NM_001395689.1 and 3 more transcripts); c.818A>T, p.Lys273Met (NM_001395691.1); c.-184A>T (NM_001395697.1); short protein forms K327M, K462M, K368M, K273M.
Identifiers: ClinVar variation 3839995 (VCV003839995.1).

ClinVar aggregate classification (germline): Uncertain significance (1 of 4 stars; one submission).

Conditions:
Hereditary cancer-predisposing syndrome. Also called: Hereditary neoplastic syndrome; Neoplastic Syndromes, Hereditary; Tumor predisposition; Hereditary Cancer Syndrome. Identifiers: Orphanet 140162, MedGen C0027672, MeSH D009386, MONDO:0015356.

Submission:

Ambry Genetics
Classification: Uncertain significance for Hereditary cancer-predisposing syndrome. Last evaluated: 2024-12-23. Review status: criteria provided, single submitter. Criteria: Ambry Variant Classification Scheme 2023. Collection method: clinical testing. Allele origin: germline.
Comment: The p.K462M variant (also known as c.1385A>T), located in coding exon 8 of the DICER1 gene, results from an A to T substitution at nucleotide position 1385. The lysine at codon 462 is replaced by methionine, an amino acid with similar properties. This amino acid position is conserved. In addition, the in silico prediction for this alteration is inconclusive. Based on the available evidence, the clinical significance of this variant remains unclear.